The following is an entry in ClinVar:

NM_003919.3(SGCE):c.443T>A (p.Ile148Asn)

Genes: CASD1 (CAS1 domain sialic acid O acetyltransferase 1; plus strand), SGCE (sarcoglycan epsilon; minus strand). Cytogenetic location: 7q21.3.
Variant type: single nucleotide variant.
Coding change: c.443T>A on transcript NM_003919.3 (MANE Select); coding-DNA position 443, T replaced by A.
Protein change: p.Ile148Asn; replaces isoleucine 148 with asparagine.
Molecular consequence: missense variant.
Genome position (GRCh38, 1-based): chr7:94,623,345, A>T on the plus strand (T>A on the coding strand, the complement: SGCE is on the minus strand). VCF-style: chr7-94623345-A-T. GRCh37 (hg19) VCF-style: chr7-94252657-A-T.
Other names: c.443T>A, p.Ile148Asn (NM_001099400.2, NM_001099401.2, NM_001346717.2); c.320T>A, p.Ile107Asn (NM_001301139.2, NM_001362809.2); c.551T>A, p.Ile184Asn (NM_001346713.2, NM_001346715.2); c.356T>A, p.Ile119Asn (NM_001346719.2, NM_001362807.2); c.170T>A, p.Ile57Asn (NM_001346720.2, NM_001362808.2); short protein forms I107N, I119N, I148N, I184N, I57N.
Identifiers: ClinVar variation 2572511 (VCV002572511.1), dbSNP rs2485134502, ClinGen allele CA368236659.
Genomic context (GRCh38, chr7:94,623,345, plus strand): 5'-TCTTATAAATAAGAAATGATCAACATATTTTCATACCTACCTTCTGCAGACATTATATTA[A>T]TTATCAAATTATGCCTTGCAGTCTCAAAGGTGCGCCTGTTGTAGGCAGTTATCTATTATA-3'
Protein context (NP_003910.1, residues 138-158): TFETARHNLI[Ile148Asn]NIMSAEDFPL

ClinVar aggregate classification (germline): Uncertain significance (1 of 4 stars; one submission).

Conditions:
Myoclonic dystonia 11 (DYT11). Also called: DYT-SGCE; Myoclonic dystonia; Dystonia 11; Dystonia, alcohol responsive; Hereditary essential myoclonus; SGCE Myoclonus-Dystonia. Identifiers: Orphanet 36899, MedGen C1834570, MONDO:0008044, OMIM 159900.

Submission:

3billion
Classification: Uncertain significance for Myoclonic dystonia 11. Review status: criteria provided, single submitter. Criteria: ACMG Guidelines, 2015. Collection method: clinical testing. Allele origin: unknown. Affected: yes. Observed: 1 heterozygote.
Comment: The variant is not observed in the gnomAD v2.1.1 dataset. Protein truncation variants are a common disease-causing mechanism. In silico tool predictions suggest damaging effect of the variant on gene or gene product (REVEL: 0.90; 3Cnet: 0.86). Therefore, this variant is classified as Uncertain significance according to the recommendation of ACMG/AMP guideline.